The following is an entry in ClinVar:

NM_001876.4(CPT1A):c.211A>G (p.Thr71Ala)

Gene: CPT1A (carnitine palmitoyltransferase 1A; minus strand). Cytogenetic location: 11q13.3.
Variant type: single nucleotide variant.
Coding change: c.211A>G on transcript NM_001876.4 (MANE Select); coding-DNA position 211, A replaced by G.
Protein change: p.Thr71Ala; replaces threonine 71 with alanine.
Molecular consequence: missense variant.
Genome position (GRCh38, 1-based): chr11:68,812,507, T>C on the plus strand (A>G on the coding strand, the complement: CPT1A is on the minus strand). VCF-style: chr11-68812507-T-C. GRCh37 (hg19) VCF-style: chr11-68579975-T-C.
Other names: c.211A>G, p.Thr71Ala (NM_001031847.3); short protein forms T71A.
Identifiers: ClinVar variation 1918334 (VCV001918334.2), dbSNP rs2495681961, ClinGen allele CA381638051.

ClinVar aggregate classification (germline): Uncertain significance (1 of 4 stars; one submission).

Conditions:
Carnitine palmitoyl transferase 1A deficiency. Also called: CPT deficiency, hepatic, type IA; Carnitine palmitoyltransferase 1A deficiency; CPT I DEFICIENCY; CPT DEFICIENCY, HEPATIC, TYPE I; Carnitine palmitoyltransferase type I deficiency. Identifiers: Orphanet 156, MedGen C1829703, MONDO:0009705, OMIM 255120.

Submission:

Labcorp Genetics (formerly Invitae), Labcorp
Classification: Uncertain significance for Carnitine palmitoyl transferase 1A deficiency. Last evaluated: 2021-08-31. Review status: criteria provided, single submitter. Criteria: Invitae Variant Classification Sherloc (09022015). Collection method: clinical testing. Allele origin: germline.
Comment: This sequence change replaces threonine with alanine at codon 71 of the CPT1A protein (p.Thr71Ala). The threonine residue is weakly conserved and there is a small physicochemical difference between threonine and alanine. This variant is not present in population databases (ExAC no frequency). This variant has not been reported in the literature in individuals affected with CPT1A-related conditions. Algorithms developed to predict the effect of missense changes on protein structure and function (SIFT, PolyPhen-2, Align-GVGD) all suggest that this variant is likely to be tolerated. In summary, the available evidence is currently insufficient to determine the role of this variant in disease. Therefore, it has been classified as a Variant of Uncertain Significance.